The following is an entry in ClinVar:

ClinVar aggregate classification (germline): Uncertain significance (1 of 4 stars; one submission).

Conditions:
Neurofibromatosis, type 1 (NF1). Also called: Peripheral type neurofibromatosis; Neurofibromatosis, type I; NEUROFIBROMATOSIS, TYPE I, SOMATIC; VON RECKLINGHAUSEN DISEASE. Identifiers: Orphanet 636, MedGen C0027831, MONDO:0018975, OMIM 162200. Disease mechanism: loss of function.

Submission:

Labcorp Genetics (formerly Invitae), Labcorp
Classification: Uncertain significance for Neurofibromatosis, type 1. Last evaluated: 2025-04-30. Review status: criteria provided, single submitter. Criteria: Invitae Variant Classification Sherloc (09022015). Collection method: clinical testing. Allele origin: germline.
Comment: This sequence change replaces aspartic acid, which is acidic and polar, with histidine, which is basic and polar, at codon 2354 of the NF1 protein (p.Asp2354His). This variant is not present in population databases (gnomAD no frequency). This variant has not been reported in the literature in individuals affected with NF1-related conditions. Invitae Evidence Modeling of protein sequence and biophysical properties (such as structural, functional, and spatial information, amino acid conservation, physicochemical variation, residue mobility, and thermodynamic stability) indicates that this missense variant is expected to disrupt NF1 protein function with a positive predictive value of 95%. In summary, the available evidence is currently insufficient to determine the role of this variant in disease. Therefore, it has been classified as a Variant of Uncertain Significance.

NM_001042492.3(NF1):c.7123G>C (p.Asp2375His)

Gene: NF1 (neurofibromin 1; plus strand). Cytogenetic location: 17q11.2.
Variant type: single nucleotide variant.
Coding change: c.7123G>C on transcript NM_001042492.3 (MANE Select); coding-DNA position 7123, G replaced by C.
Protein change: p.Asp2375His; replaces aspartic acid 2375 with histidine.
Molecular consequence: missense variant.
Genome position (GRCh38, 1-based): chr17:31,343,069, G>C. VCF-style: chr17-31343069-G-C. GRCh37 (hg19) VCF-style: chr17-29670087-G-C.
Other names: c.7060G>C, p.Asp2354His (NM_000267.4); short protein forms D2354H, D2375H.
Identifiers: ClinVar variation 4811141 (VCV004811141.1).